The following is an entry in ClinVar:

NM_014141.6(CNTNAP2):c.98-104A>G

Gene: CNTNAP2 (contactin associated protein 2; plus strand). Cytogenetic location: 7q35.
Variant type: single nucleotide variant.
Coding change: c.98-104A>G on transcript NM_014141.6 (MANE Select); 104 bases into the intron before coding-DNA position 98, A replaced by G.
Molecular consequence: intron variant.
Genome position (GRCh38, 1-based): chr7:146,774,167, A>G. VCF-style: chr7-146774167-A-G. GRCh37 (hg19) VCF-style: chr7-146471259-A-G.
Identifiers: ClinVar variation 676012 (VCV000676012.1), dbSNP rs148853070, ClinGen allele CA168644331.

ClinVar aggregate classification (germline): Likely benign (1 of 4 stars; one submission).

Allele frequency attached by ClinVar (database versions not stated): 1000 Genomes Project 30x 0.00203; 1000 Genomes Project 0.00220; TOPMed 0.00479; gnomAD 0.00630.
gnomAD v4.1: 5,388 of 810,634 alleles (0.66%); highest among the groups gnomAD compares: Non-Finnish European, 0.92%; 27 homozygotes.

Submission:

GeneDx
Classification: Likely benign. Last evaluated: 2018-06-16. Review status: criteria provided, single submitter. Criteria: GeneDx Variant Classification (06012015). Collection method: clinical testing. Allele origin: germline. Affected: yes.
Comment: This variant is considered likely benign or benign based on one or more of the following criteria: it is a conservative change, it occurs at a poorly conserved position in the protein, it is predicted to be benign by multiple in silico algorithms, and/or has population frequency not consistent with disease.